The following is an entry in ClinVar:

ClinVar aggregate classification (germline): Pathogenic (1 of 4 stars; one submission).

Conditions:
Hyper-IgE recurrent infection syndrome 3, autosomal recessive. Also called: Autosomal recessive hyper-IgE syndrome due to ZNF341 deficiency; HYPER-IgE SYNDROME 3, AUTOSOMAL RECESSIVE, WITH RECURRENT INFECTIONS. Identifiers: Orphanet 641368, MedGen C4748969, MONDO:0032654, OMIM 618282.

Submission:

Labcorp Genetics (formerly Invitae), Labcorp
Classification: Pathogenic for Combined immunodeficiency due to DOCK8 deficiency. Last evaluated: 2020-01-28. Review status: criteria provided, single submitter. Criteria: Invitae Variant Classification Sherloc (09022015). Collection method: clinical testing. Allele origin: germline.
Comment: For these reasons, this variant has been classified as Pathogenic. Loss-of-function variants in DOCK8 are known to be pathogenic (PMID: 14722525, 19776401). This variant has not been reported in the literature in individuals with DOCK8-related conditions. This variant is an out-of-frame deletion of the genomic region encompassing exons 5-26 of the DOCK8 gene. This is expected to create a premature translational stop signal and result in an absent or disrupted protein product.

Literature cited by the submitters: PubMed 14722525; PubMed 19776401.

NC_000009.12:g.(?_304561)_(399279_?)del

Gene: DOCK8 (dedicator of cytokinesis 8; plus strand). Cytogenetic location: 9p24.3.
Variant type: Deletion.
Identifiers: ClinVar variation 831454 (VCV000831454.9).